The following is an entry in ClinVar:

ClinVar aggregate classification (germline): Uncertain significance. Review status: criteria provided, multiple submitters, no conflicts (2 of 4 stars). 3 submissions from 3 submitters: Uncertain significance (3). Last evaluated 2025-07-15.

Conditions:
Charcot-Marie-Tooth disease type 4. Also called: Charcot-Marie-Tooth, Type 4; Charcot-Marie-Tooth disease, type IV. Identifiers: Orphanet 64749, MedGen C4082197, MONDO:0018995.
Inborn genetic diseases. Identifiers: MedGen C0950123, MeSH D030342.
Charcot-Marie-Tooth disease type 4F. Also called: Charcot-Marie-Tooth disease, demyelinating, type 4F. Identifiers: Orphanet 99952, MedGen C3540453, MONDO:0013959, OMIM 614895.

Allele frequency attached by ClinVar (database versions not stated): TOPMed 0.00001; gnomAD exomes 0.00002.
gnomAD v4.1: 23 of 1,546,290 alleles (0.0015%); highest among the groups gnomAD compares: Middle Eastern, 0.054%; no homozygotes.

Submissions (3):

Ambry Genetics
Classification: Uncertain significance for Inborn genetic diseases. Last evaluated: 2025-07-15. Review status: criteria provided, single submitter. Criteria: Ambry Variant Classification Scheme 2023. Collection method: clinical testing. Allele origin: germline.

Labcorp Genetics (formerly Invitae), Labcorp
Classification: Uncertain significance for Charcot-Marie-Tooth disease type 4. Last evaluated: 2021-09-01. Review status: criteria provided, single submitter. Criteria: Invitae Variant Classification Sherloc (09022015). Collection method: clinical testing. Allele origin: germline.
Comment: This sequence change replaces proline with leucine at codon 278 of the PRX protein (p.Pro278Leu). The proline residue is highly conserved and there is a moderate physicochemical difference between proline and leucine. The frequency data for this variant in the population databases is considered unreliable, as metrics indicate insufficient coverage at this position in the ExAC database. This variant has not been reported in the literature in individuals affected with PRX-related conditions. ClinVar contains an entry for this variant (Variation ID: 329281). Algorithms developed to predict the effect of missense changes on protein structure and function are either unavailable or do not agree on the potential impact of this missense change (SIFT: "Deleterious"; PolyPhen-2: "Possibly Damaging"; Align-GVGD: "Class C15"). In summary, the available evidence is currently insufficient to determine the role of this variant in disease. Therefore, it has been classified as a Variant of Uncertain Significance.

Illumina Laboratory Services, Illumina
Classification: Uncertain significance for Charcot-Marie-Tooth disease type 4F. Last evaluated: 2018-01-13. Review status: criteria provided, single submitter. Criteria: ICSL Variant Classification Criteria 13 December 2019. Collection method: clinical testing. Allele origin: germline.

NM_181882.3(PRX):c.833C>T (p.Pro278Leu)

Gene: PRX (periaxin; minus strand). Cytogenetic location: 19q13.2.
Variant type: single nucleotide variant.
Coding change: c.833C>T on transcript NM_181882.3 (MANE Select); coding-DNA position 833, C replaced by T.
Protein change: p.Pro278Leu; replaces proline 278 with leucine.
Molecular consequence: missense variant. On other transcripts: 3 prime UTR variant (1).
Genome position (GRCh38, 1-based): chr19:40,397,519, G>A on the plus strand (C>T on the coding strand, the complement: PRX is on the minus strand). VCF-style: chr19-40397519-G-A. GRCh37 (hg19) VCF-style: chr19-40903426-G-A.
Other names: c.*1038C>T (NM_020956.2); short protein forms P278L.
Identifiers: ClinVar variation 329281 (VCV000329281.10), dbSNP rs886054440, ClinGen allele CA10652467.